The following is an entry in ClinVar:

ClinVar aggregate classification (germline): Uncertain significance (1 of 4 stars; one submission).

Conditions:
Cardiovascular phenotype. Identifiers: MedGen CN230736.

Submission:

Ambry Genetics
Classification: Uncertain significance for Cardiovascular phenotype. Last evaluated: 2024-03-07. Review status: criteria provided, single submitter. Criteria: Ambry Variant Classification Scheme 2023. Collection method: clinical testing. Allele origin: germline.
Comment: The p.A333V variant (also known as c.998C>T), located in coding exon 5 of the SNTA1 gene, results from a C to T substitution at nucleotide position 998. The alanine at codon 333 is replaced by valine, an amino acid with similar properties. This amino acid position is conserved. In addition, this alteration is predicted to be tolerated by in silico analysis. Based on the available evidence, the clinical significance of this alteration remains unclear.

NM_003098.3(SNTA1):c.998C>T (p.Ala333Val)

Gene: SNTA1 (syntrophin alpha 1; minus strand). Cytogenetic location: 20q11.21.
Variant type: single nucleotide variant.
Coding change: c.998C>T on transcript NM_003098.3 (MANE Select); coding-DNA position 998, C replaced by T.
Protein change: p.Ala333Val; replaces alanine 333 with valine.
Molecular consequence: missense variant.
Genome position (GRCh38, 1-based): chr20:33,412,338, G>A on the plus strand (C>T on the coding strand, the complement: SNTA1 is on the minus strand). VCF-style: chr20-33412338-G-A. GRCh37 (hg19) VCF-style: chr20-32000144-G-A.
Other names: c.998C>T, p.Ala333Val (NM_001424413.1, NM_001424414.1); short protein forms A333V.
Identifiers: ClinVar variation 3223126 (VCV003223126.1), dbSNP rs2515497196, ClinGen allele CA408631153.
Genomic context (GRCh38, chr20:33,412,338, plus strand): 5'-GCCCCTGCCTGTGGGTACCTGGTGGCGATGAGTGGGGCAGTACGGGCTGGCCGGCTCAGG[G>A]CCTCGCGGGTCTCGGGGAGAGACAAGTAGAGGAGCAGTTCCTTTTCAGTTAGCAGGGCCA-3'
Protein context (NP_003089.1, residues 323-343): LYLSLPETRE[Ala333Val]LSRPARTAPL